The following is an entry in ClinVar:

NM_181486.4(TBX5):c.92C>T (p.Ala31Val)

Gene: TBX5 (T-box transcription factor 5; minus strand). Cytogenetic location: 12q24.21.
Variant type: single nucleotide variant.
Coding change: c.92C>T on transcript NM_181486.4 (MANE Select); coding-DNA position 92, C replaced by T.
Protein change: p.Ala31Val; replaces alanine 31 with valine.
Molecular consequence: missense variant. On other transcripts: intron variant (1).
Genome position (GRCh38, 1-based): chr12:114,403,807, G>A on the plus strand (C>T on the coding strand, the complement: TBX5 is on the minus strand). VCF-style: chr12-114403807-G-A. GRCh37 (hg19) VCF-style: chr12-114841612-G-A.
Other names: c.92C>T, p.Ala31Val (NM_000192.3); c.-3-1887C>T (NM_080717.4); short protein forms A31V.
Identifiers: ClinVar variation 1766483 (VCV001766483.2), dbSNP rs1214991478, ClinGen allele CA386863519.

ClinVar aggregate classification (germline): Uncertain significance (1 of 4 stars; one submission).

Conditions:
Cardiovascular phenotype. Identifiers: MedGen CN230736.

Submission:

Ambry Genetics
Classification: Uncertain significance for Cardiovascular phenotype. Last evaluated: 2022-05-24. Review status: criteria provided, single submitter. Criteria: Ambry Variant Classification Scheme 2023. Collection method: clinical testing. Allele origin: germline.
Comment: The p.A31V variant (also known as c.92C>T), located in coding exon 1 of the TBX5 gene, results from a C to T substitution at nucleotide position 92. The alanine at codon 31 is replaced by valine, an amino acid with similar properties. This amino acid position is conserved. In addition, this alteration is predicted to be tolerated by in silico analysis. Since supporting evidence is limited at this time, the clinical significance of this alteration remains unclear.